The following is an entry in ClinVar:

NM_006949.4(STXBP2):c.246+54TG[3]

Gene: STXBP2 (syntaxin binding protein 2; plus strand). Cytogenetic location: 19p13.2.
Variant type: Microsatellite.
Coding change: c.246+54TG[3] on transcript NM_006949.4 (MANE Select); three copies in a row of the 2-base unit TG starting at c.246+54.
Molecular consequence: intron variant.
Genome position: GRCh38 VCF-style: chr19-7639860-ATG-A. GRCh37 (hg19) VCF-style: chr19-7704746-ATG-A.
Other names: c.150+54TG[3] (NM_001414484.1); c.246+54TG[3] (NM_001272034.2, NM_001127396.3).
Identifiers: ClinVar variation 2498750 (VCV002498750.28), dbSNP rs559708378, ClinGen allele CA9143209.
Genomic context (GRCh38, chr19:7,639,860, plus strand): 5'-CGGAGAAGGTGCCTACATGAGTGAGCGTGTGTGTATGCGCGTGCATGCGTGTACATGTGC[ATG>A]TGTGTGTATGTCTGCATGCATGTGATTGCATGTGTGCATGTGTATACGTGTGCATGTGTC-3'

ClinVar aggregate classification (germline): Benign (1 of 4 stars; one submission).

Submission:

CeGaT Center for Human Genetics Tuebingen
Classification: Benign. Last evaluated: 2023-06-01. Review status: criteria provided, single submitter. Criteria: CeGaT Center For Human Genetics Tuebingen Variant Classification Criteria Version 2. Collection method: clinical testing. Allele origin: germline. Affected: yes. Observed: 3 variant alleles.
Comment: STXBP2: BS1, BS2